The following is an entry in ClinVar:

ClinVar aggregate classification (germline): Likely pathogenic. Review status: criteria provided, multiple submitters, no conflicts (2 of 4 stars). 6 submissions from 6 submitters: Likely pathogenic (5). 1 of the submissions does not count toward it. Last evaluated 2025-02-03.

Conditions:
Abnormality of the nervous system. Also called: Congenital nervous system disorder. Identifiers: MedGen C0497552, MONDO:0002320, HP:0000707.
Ethylmalonic encephalopathy (EE). Also called: EPEMA syndrome; Encephalopathy, petechiae, and ethylmalonic aciduria; Syndrome of encephalopathy, petechiae, and ethylmalonic aciduria. Identifiers: Orphanet 51188, MedGen C1865349, MONDO:0011229, OMIM 602473. Disease mechanism: loss of function.

Allele frequency attached by ClinVar (database versions not stated): gnomAD exomes below 0.00001; TOPMed 0.00001.
gnomAD v4.1: 2 of 1,614,198 alleles (0.00012%); highest among the groups gnomAD compares: Non-Finnish European, 0.00017%; no homozygotes.

Submissions (6):

Natera, Inc.
Classification: Likely pathogenic for Ethylmalonic encephalopathy. Last evaluated: 2025-02-03. Review status: criteria provided, single submitter. Criteria: Natera Variant Classification Schema (03/2026). Collection method: clinical testing. Allele origin: germline.
Comment: The c.482G>A variant in ETHE1 is a missense variant predicted to cause substitution of cysteine to tyrosine at amino acid 161. This variant is rare in the general population with a frequency below the threshold expected for the associated phenotype(s). This variant has been observed in one or more individuals affected with the associated recessive disease, as either homozygous or compound heterozygous with a second variant (PMID: 16183799). This variant has been identified in one or more affected individuals with a phenotype highly consistent with the associated gene (PMID: 16183799). Computational prediction algorithms indicate this variant is likely to affect gene or protein function. Given the available evidence, this variant is classified as Likely Pathogenic.

Women's Health and Genetics/Laboratory Corporation of America, LabCorp
Classification: Likely pathogenic for Ethylmalonic encephalopathy. Last evaluated: 2024-03-20. Review status: criteria provided, single submitter. Criteria: LabCorp Variant Classification Summary - May 2015. Collection method: clinical testing. Allele origin: germline.
Comment: Variant summary: ETHE1 c.482G>A (p.Cys161Tyr) results in a non-conservative acid change located in the Metallo-beta-lactamase domain (IPR001279) of the encoded protein sequence. Five of five in-silico tools predict a damaging effect of the variant on protein function. The variant was absent in 251474 control chromosomes (gnomAD). c.482G>A has been reported in the literature in an individual affected with Ethylmalonic Encephalopathy (Tiranti_2006). These data do not allow any conclusion about variant significance. At least one publication reports experimental evidence evaluating an impact on protein function, finding that the variant significantly impairs iron content, thermal stability, and catalytic activity (Kabil_2018). The following publications have been ascertained in the context of this evaluation (PMID: 16183799, 29980601). ClinVar contains an entry for this variant (Variation ID: 435095). Based on the evidence outlined above, the variant was classified as likely pathogenic.

Fulgent Genetics
Classification: Likely pathogenic for Ethylmalonic encephalopathy. Last evaluated: 2024-03-19. Review status: criteria provided, single submitter. Criteria: ACMG Guidelines, 2015. Collection method: clinical testing. Allele origin: germline.

Kariminejad - Najmabadi Pathology & Genetics Center
Classification: Likely pathogenic for Abnormality of the nervous system. Last evaluated: 2021-07-10. Review status: criteria provided, single submitter. Criteria: ACMG Guidelines, 2015. Collection method: clinical testing. Allele origin: germline.

Genetic Services Laboratory, University of Chicago
Classification: Likely pathogenic for Ethylmalonic encephalopathy. Last evaluated: 2017-05-24. Review status: criteria provided, single submitter. Criteria: ACMG Guidelines, 2015. Collection method: clinical testing. Allele origin: germline. Affected: yes.

GeneReviews
No classification provided. Condition: Ethylmalonic encephalopathy. Review status: no classification provided. Collection method: literature only. Allele origin: germline. Not counted in ClinVar's aggregate classification.

Literature cited by the submitters: PubMed 16183799 (cited by Natera, Inc. and Women's Health and Genetics/Laboratory Corporation of America, LabCorp); PubMed 29980601 (cited by Women's Health and Genetics/Laboratory Corporation of America, LabCorp); NCBI Bookshelf NBK453432 (cited by GeneReviews); PubMed 28933811 (cited by GeneReviews).

NM_014297.5(ETHE1):c.482G>A (p.Cys161Tyr)

Gene: ETHE1 (ETHE1 persulfide dioxygenase; minus strand). Cytogenetic location: 19q13.31.
Variant type: single nucleotide variant.
Coding change: c.482G>A on transcript NM_014297.5 (MANE Select); coding-DNA position 482, G replaced by A.
Protein change: p.Cys161Tyr; replaces cysteine 161 with tyrosine.
Molecular consequence: missense variant.
Genome position (GRCh38, 1-based): chr19:43,511,460, C>T on the plus strand (G>A on the coding strand, the complement: ETHE1 is on the minus strand). VCF-style: chr19-43511460-C-T. GRCh37 (hg19) VCF-style: chr19-44015612-C-T.
Other names: c.449G>A, p.Cys150Tyr (NM_001320867.2); c.113G>A, p.Cys38Tyr (NM_001320868.2); c.188G>A, p.Cys63Tyr (NM_001320869.2); c.482G>A (NM_014297.4); short protein forms C161Y, C38Y, C63Y, C150Y.
Identifiers: ClinVar variation 435095 (VCV000435095.30), dbSNP rs1555762722, ClinGen allele CA406175487.